The following is an entry in ClinVar:

NM_017617.5(NOTCH1):c.6083-16T>G

Genes: NOTCH1 (notch receptor 1; minus strand), LOC126860794 (BRD4-independent group 4 enhancer GRCh37_chr9:139392592-139393791; plus strand). Cytogenetic location: 9q34.3.
Variant type: single nucleotide variant.
Coding change: c.6083-16T>G on transcript NM_017617.5 (MANE Select); 16 bases into the intron before coding-DNA position 6083, T replaced by G.
Molecular consequence: intron variant.
Genome position (GRCh38, 1-based): chr9:136,499,012, A>C on the plus strand (T>G on the coding strand, the complement: NOTCH1 is on the minus strand). VCF-style: chr9-136499012-A-C. GRCh37 (hg19) VCF-style: chr9-139393464-A-C.
Identifiers: ClinVar variation 2727695 (VCV002727695.4), dbSNP rs1050080917, ClinGen allele CA201637662.

ClinVar aggregate classification (germline): Likely benign. Review status: criteria provided, multiple submitters, no conflicts (2 of 4 stars). 2 submissions from 2 submitters: Likely benign (2). Last evaluated 2024-08-23.

Conditions:
Adams-Oliver syndrome 5 (AOS5). Identifiers: Orphanet 974, MedGen C4014970, MONDO:0014459, OMIM 616028.

Allele frequency attached by ClinVar (database versions not stated): gnomAD 0.00001; TOPMed 0.00002.
gnomAD v4.1: 1 of 1,612,998 alleles (0.000062%); highest among the groups gnomAD compares: Admixed American, 0.0017%; no homozygotes.

Submissions (2):

Women's Health and Genetics/Laboratory Corporation of America, LabCorp
Classification: Likely benign. Last evaluated: 2024-08-23. Review status: criteria provided, single submitter. Criteria: LabCorp Variant Classification Summary - May 2015. Collection method: clinical testing. Allele origin: germline.
Comment: Variant summary: NOTCH1 c.6083-16T>G alters a nucleotide located at a position not widely known to affect splicing. Consensus agreement among computation tools predict no significant impact on normal splicing. However, these predictions have yet to be confirmed by functional studies. The variant was absent in 248780 control chromosomes. The available data on variant occurrences in the general population are insufficient to allow any conclusion about variant significance. To our knowledge, no occurrence of c.6083-16T>G in individuals affected with Adams-Oliver Syndrome 5 and no experimental evidence demonstrating its impact on protein function have been reported. ClinVar contains an entry for this variant (Variation ID: 2727695). Based on the evidence outlined above, the variant was classified as likely benign.

Labcorp Genetics (formerly Invitae), Labcorp
Classification: Likely benign for Adams-Oliver syndrome 5. Last evaluated: 2023-10-04. Review status: criteria provided, single submitter. Criteria: Invitae Variant Classification Sherloc (09022015). Collection method: clinical testing. Allele origin: germline.